The following is an entry in ClinVar:

ClinVar aggregate classification (germline): Pathogenic (1 of 4 stars; one submission).

Submission:

Labcorp Genetics (formerly Invitae), Labcorp
Classification: Pathogenic. Last evaluated: 2023-08-22. Review status: criteria provided, single submitter. Criteria: Invitae Variant Classification Sherloc (09022015). Collection method: clinical testing. Allele origin: germline.
Comment: For these reasons, this variant has been classified as Pathogenic. This variant has not been reported in the literature in individuals affected with ABCC8-related conditions. This variant is not present in population databases (gnomAD no frequency). This sequence change creates a premature translational stop signal (p.Asp818Alafs*46) in the ABCC8 gene. It is expected to result in an absent or disrupted protein product. Loss-of-function variants in ABCC8 are known to be pathogenic (PMID: 20685672, 23345197).

Literature cited by the submitters: PubMed 20685672; PubMed 23345197.

NM_000352.6(ABCC8):c.2453del (p.Asp818fs)

Genes: ABCC8 (ATP binding cassette subfamily C member 8; minus strand), LOC110121471 (VISTA enhancer hs1977; plus strand). Cytogenetic location: 11p15.1.
Variant type: Deletion.
Coding change: c.2453del on transcript NM_000352.6 (MANE Select); coding-DNA position 2453, one base deleted (A; older notation c.2453delA).
Protein change: p.Asp818fs; shifts the reading frame from aspartic acid 818.
Molecular consequence: frameshift variant. On other transcripts: non-coding transcript variant (1).
Genome position (GRCh38, 1-based): chr11:17,413,416, T deleted on the plus strand (A on the coding strand, the reverse complement: ABCC8 is on the minus strand). VCF-style (leftmost placement, unchanged base first): chr11-17413415-GT-G. GRCh37 (hg19) VCF-style: chr11-17434962-GT-G.
Other names: c.2456del, p.Asp819fs (NM_001287174.3); c.2519del, p.Asp840fs (NM_001351295.2); c.2453del, p.Asp818fs (NM_001351296.2); c.2450del, p.Asp817fs (NM_001351297.2); short protein forms D818fs, D819fs, D817fs, D840fs.
Identifiers: ClinVar variation 2754399 (VCV002754399.3), dbSNP rs2496578182, ClinGen allele CA2697548458.